The following is an entry in ClinVar:

NM_000235.4(LIPA):c.566A>C (p.Glu189Ala)

Gene: LIPA (lipase A, lysosomal acid type; minus strand). Cytogenetic location: 10q23.31.
Variant type: single nucleotide variant.
Coding change: c.566A>C on transcript NM_000235.4 (MANE Select); coding-DNA position 566, A replaced by C.
Protein change: p.Glu189Ala; replaces glutamic acid 189 with alanine.
Molecular consequence: missense variant.
Genome position (GRCh38, 1-based): chr10:89,225,201, T>G on the plus strand (A>C on the coding strand, the complement: LIPA is on the minus strand). VCF-style: chr10-89225201-T-G. GRCh37 (hg19) VCF-style: chr10-90984958-T-G.
Other names: c.566A>C, p.Glu189Ala (NM_001127605.3); c.218A>C, p.Glu73Ala (NM_001288979.2); short protein forms E73A, E189A.
Identifiers: ClinVar variation 1426295 (VCV001426295.6), dbSNP rs2133429645, ClinGen allele CA377517380.

ClinVar aggregate classification (germline): Uncertain significance (1 of 4 stars; one submission).

Conditions:
Wolman disease (WOLD). Also called: Wolman disease with hypolipoproteinemia and acanthocytosis; Acid cholesteryl ester hydrolase deficiency, Wolman type; Acid lipase disease; LYSOSOMAL ACID LIPASE DEFICIENCY, ACUTE INFANTILE; LYSOSOMAL ACID LIPASE DEFICIENCY, COMPLETE; LIPA DEFICIENCY, COMPLETE. Identifiers: Orphanet 75233, MedGen C0043208, MONDO:0019148, OMIM 620151.

Submission:

Labcorp Genetics (formerly Invitae), Labcorp
Classification: Uncertain significance for Wolman disease. Last evaluated: 2022-07-19. Review status: criteria provided, single submitter. Criteria: Invitae Variant Classification Sherloc (09022015). Collection method: clinical testing. Allele origin: germline.
Comment: In summary, the available evidence is currently insufficient to determine the role of this variant in disease. Therefore, it has been classified as a Variant of Uncertain Significance. Algorithms developed to predict the effect of missense changes on protein structure and function are either unavailable or do not agree on the potential impact of this missense change (SIFT: "Deleterious"; PolyPhen-2: "Benign"; Align-GVGD: "Class C0"). ClinVar contains an entry for this variant (Variation ID: 1426295). This variant has not been reported in the literature in individuals affected with LIPA-related conditions. This variant is not present in population databases (gnomAD no frequency). This sequence change replaces glutamic acid, which is acidic and polar, with alanine, which is neutral and non-polar, at codon 189 of the LIPA protein (p.Glu189Ala).